The following is an entry in ClinVar:

ClinVar aggregate classification (germline): Pathogenic (1 of 4 stars; one submission).

Conditions:
Retinoblastoma (RB1). Also called: RETINOBLASTOMA, SOMATIC. Identifiers: Orphanet 790, MedGen C0035335, MeSH D012175, MONDO:0008380, OMIM 180200, HP:0009919. Disease mechanism: loss of function. Inheritance: Both sporadic and heritable forms are tested..

Submission:

Labcorp Genetics (formerly Invitae), Labcorp
Classification: Pathogenic for Retinoblastoma. Last evaluated: 2023-08-22. Review status: criteria provided, single submitter. Criteria: Invitae Variant Classification Sherloc (09022015). Collection method: clinical testing. Allele origin: germline.
Comment: This sequence change creates a premature translational stop signal (p.Ile103Tyrfs*7) in the RB1 gene. It is expected to result in an absent or disrupted protein product. Loss-of-function variants in RB1 are known to be pathogenic (PMID: 17096365). This variant is not present in population databases (gnomAD no frequency). This variant has not been reported in the literature in individuals affected with RB1-related conditions. For these reasons, this variant has been classified as Pathogenic.

Literature cited by the submitters: PubMed 17096365.

NM_000321.3(RB1):c.306dup (p.Ile103fs)

Gene: RB1 (RB transcriptional corepressor 1; plus strand). Cytogenetic location: 13q14.2.
Variant type: Duplication.
Coding change: c.306dup on transcript NM_000321.3 (MANE Select); coding-DNA position 306, one base duplicated (T; older notation c.306dupT).
Protein change: p.Ile103fs; shifts the reading frame from isoleucine 103.
Molecular consequence: frameshift variant.
Genome position (GRCh38, 1-based): chr13:48,342,640, T duplicated. VCF-style (leftmost placement, unchanged base first): chr13-48342639-G-GT. GRCh37 (hg19) VCF-style: chr13-48916775-G-GT.
Other names: c.306dup, p.Ile103fs (NM_001407165.1, NM_001407166.1); short protein forms I103fs.
Identifiers: ClinVar variation 2754282 (VCV002754282.3), dbSNP rs2542155973, ClinGen allele CA2697551903.
Genomic context (GRCh38, chr13:48,342,639, plus strand): 5'-TCTTTATTTTTTGTTCCCAGGGAGGTTATATTCAAAAGAAAAAGGAACTGTGGGGAATCT[G>GT]TATCTTTATTGCAGCAGTTGACCTAGATGAGATGTCGTTCACTTTTACTGAGCTACAGAA-3'